The following is an entry in ClinVar:

ClinVar aggregate classification (germline): Pathogenic (1 of 4 stars; one submission).

Conditions:
Neuromuscular disease caused by qualitative or quantitative defects of dysferlin. Also called: Dysferlinopathy; Qualitative or quantitative defects of dysferlin. Identifiers: Orphanet 207073, MedGen C2931687, MONDO:0016145.

Submission:

Labcorp Genetics (formerly Invitae), Labcorp
Classification: Pathogenic for Neuromuscular disease caused by qualitative or quantitative defects of dysferlin. Last evaluated: 2023-08-11. Review status: criteria provided, single submitter. Criteria: Invitae Variant Classification Sherloc (09022015). Collection method: clinical testing. Allele origin: germline.
Comment: Algorithms developed to predict the effect of sequence changes on RNA splicing suggest that this variant may disrupt the consensus splice site. For these reasons, this variant has been classified as Pathogenic. This variant has not been reported in the literature in individuals affected with DYSF-related conditions. This variant is not present in population databases (gnomAD no frequency). This sequence change creates a premature translational stop signal (p.Ala375Glyfs*38) in the DYSF gene. It is expected to result in an absent or disrupted protein product. Loss-of-function variants in DYSF are known to be pathogenic (PMID: 17698709, 20301480).

Literature cited by the submitters: PubMed 17698709; PubMed 20301480.

NM_001130987.2(DYSF):c.1216_1219dup (p.Ala407fs)

Gene: DYSF (dysferlin; plus strand). Cytogenetic location: 2p13.2.
Variant type: Duplication.
Coding change: c.1216_1219dup on transcript NM_001130987.2 (MANE Select); coding-DNA positions 1216 to 1219, 4 bases duplicated (GTAG; older notation c.1216_1219dupGTAG).
Protein change: p.Ala407fs; shifts the reading frame from alanine 407.
Molecular consequence: frameshift variant.
Genome position (GRCh38, 1-based): chr2:71,526,286-71,526,289, GTAG duplicated. VCF-style (leftmost placement, unchanged base first): chr2-71526285-C-CGTAG. GRCh37 (hg19) VCF-style: chr2-71753415-C-CGTAG.
Other names: c.1216_1219dup, p.Ala407fs (NM_001130982.2, NM_001130985.2); c.1123_1126dup, p.Ala376fs (NM_001130983.2, NM_001130984.2, NM_001130986.2 and 1 more transcripts); c.1120_1123dup, p.Ala375fs (NM_003494.4, NM_001130976.2, NM_001130977.2 and 1 more transcripts); c.1213_1216dup, p.Ala406fs (NM_001130979.2, NM_001130980.2, NM_001130981.2); short protein forms A407fs, A375fs, A406fs, A376fs.
Identifiers: ClinVar variation 2751887 (VCV002751887.3), dbSNP rs2545492134, ClinGen allele CA2697548227.